The following is an entry in ClinVar:

NM_000318.3(PEX2):c.517A>G (p.Ile173Val)

Gene: PEX2 (peroxisomal biogenesis factor 2; minus strand). Cytogenetic location: 8q21.13.
Variant type: single nucleotide variant.
Coding change: c.517A>G on transcript NM_000318.3 (MANE Select); coding-DNA position 517, A replaced by G.
Protein change: p.Ile173Val; replaces isoleucine 173 with valine.
Molecular consequence: missense variant.
Genome position (GRCh38, 1-based): chr8:76,983,662, T>C on the plus strand (A>G on the coding strand, the complement: PEX2 is on the minus strand). VCF-style: chr8-76983662-T-C. GRCh37 (hg19) VCF-style: chr8-77895898-T-C.
Other names: c.517A>G, p.Ile173Val (NM_001079867.2, NM_001172086.2, NM_001172087.2); short protein forms I173V.
Identifiers: ClinVar variation 967091 (VCV000967091.9), dbSNP rs773748299, ClinGen allele CA4788692.

ClinVar aggregate classification (germline): Uncertain significance. Review status: criteria provided, multiple submitters, no conflicts (2 of 4 stars). 2 submissions from 2 submitters: Uncertain significance (2). Last evaluated 2023-08-08.

Conditions:
Inborn genetic diseases. Identifiers: MedGen C0950123, MeSH D030342.
Peroxisome biogenesis disorder 5A (Zellweger) (PBD5A). Identifiers: Orphanet 912, MedGen C3553940, MONDO:0013932, OMIM 614866.

Allele frequency attached by ClinVar (database versions not stated): ExAC 0.00001; gnomAD 0.00001; gnomAD exomes 0.00001; TOPMed 0.00002.
gnomAD v4.1: 6 of 1,614,020 alleles (0.00037%); highest among the groups gnomAD compares: African/African-American, 0.008%; no homozygotes.

Submissions (2):

Ambry Genetics
Classification: Uncertain significance for Inborn genetic diseases. Last evaluated: 2023-08-08. Review status: criteria provided, single submitter. Criteria: Ambry Variant Classification Scheme 2023. Collection method: clinical testing. Allele origin: germline.

Labcorp Genetics (formerly Invitae), Labcorp
Classification: Uncertain significance for Peroxisome biogenesis disorder 5A (Zellweger). Last evaluated: 2022-09-27. Review status: criteria provided, single submitter. Criteria: Invitae Variant Classification Sherloc (09022015). Collection method: clinical testing. Allele origin: germline.
Comment: This sequence change replaces isoleucine, which is neutral and non-polar, with valine, which is neutral and non-polar, at codon 173 of the PEX2 protein (p.Ile173Val). This variant is present in population databases (rs773748299, gnomAD 0.01%). This variant has not been reported in the literature in individuals affected with PEX2-related conditions. ClinVar contains an entry for this variant (Variation ID: 967091). Advanced modeling of protein sequence and biophysical properties (such as structural, functional, and spatial information, amino acid conservation, physicochemical variation, residue mobility, and thermodynamic stability) performed at Invitae indicates that this missense variant is not expected to disrupt PEX2 protein function. In summary, the available evidence is currently insufficient to determine the role of this variant in disease. Therefore, it has been classified as a Variant of Uncertain Significance.